The following is an entry in ClinVar:

NM_138711.6(PPARG):c.1237C>A (p.Gln413Lys)

Gene: PPARG (peroxisome proliferator activated receptor gamma; plus strand). Cytogenetic location: 3p25.2.
Variant type: single nucleotide variant.
Coding change: c.1237C>A on transcript NM_138711.6 (MANE Select); coding-DNA position 1237, C replaced by A.
Protein change: p.Gln413Lys; replaces glutamine 413 with lysine.
Molecular consequence: missense variant. On other transcripts: 3 prime UTR variant (5).
Genome position (GRCh38, 1-based): chr3:12,433,954, C>A. VCF-style: chr3-12433954-C-A. GRCh37 (hg19) VCF-style: chr3-12475453-C-A.
Other names: c.*39C>A (NM_001330615.4, NM_001374261.3, NM_001374262.3 and 1 more transcripts); c.1237C>A, p.Gln413Lys (NM_001354666.3, NM_001354667.3, NM_001374263.2 and 3 more transcripts); c.610C>A, p.Gln204Lys (NM_001354669.2); c.*23C>A (NM_001374266.1); c.1327C>A, p.Gln443Lys (NM_015869.5); short protein forms Q204K, Q413K, Q443K.
Identifiers: ClinVar variation 4994883 (VCV004994883.1).
Genomic context (GRCh38, chr3:12,433,954, plus strand): 5'-CCAGACCGCCCAGGTTTGCTGAATGTGAAGCCCATTGAAGACATTCAAGACAACCTGCTA[C>A]AAGCCCTGGAGCTCCAGCTGAAGCTGAACCACCCTGAGTCCTCACAGCTGTTTGCCAAGC-3'
Protein context (NP_619725.3, residues 403-423): PIEDIQDNLL[Gln413Lys]ALELQLKLNH

ClinVar aggregate classification (germline): Uncertain significance (1 of 4 stars; one submission).

Conditions:
PPARG-related disorder. Also called: PPARG-related disorders; PPARG-related condition.

Submission:

PreventionGenetics, part of Exact Sciences
Classification: Uncertain significance for PPARG-related condition. Last evaluated: 2025-11-13. Review status: criteria provided, single submitter. Criteria: ACMG Guidelines, 2015. Collection method: clinical testing. Allele origin: germline.
Comment: The PPARG c.1327C>A variant is predicted to result in the amino acid substitution p.Gln443Lys. To our knowledge, this variant has not been reported in the literature or in a large population database (gnomAD), indicating this variant is rare. At this time, the clinical significance of this variant is uncertain due to the absence of conclusive functional and genetic evidence.